The following is an entry in ClinVar:

ClinVar aggregate classification (germline): Uncertain significance (1 of 4 stars; one submission).

Conditions:
Inborn genetic diseases. Identifiers: MedGen C0950123, MeSH D030342.

Submission:

Ambry Genetics
Classification: Uncertain significance for Inborn genetic diseases. Last evaluated: 2025-11-26. Review status: criteria provided, single submitter. Criteria: Ambry Variant Classification Scheme 2023. Collection method: clinical testing. Allele origin: germline.
Comment: The p.L1152P variant (also known as c.3455T>C), located in coding exon 1 of the SAMD9 gene, results from a T to C substitution at nucleotide position 3455. The leucine at codon 1152 is replaced by proline, an amino acid with similar properties. This amino acid position is conserved. In addition, the in silico prediction for this alteration is inconclusive. Based on the available evidence, the clinical significance of this variant remains unclear.

NM_017654.4(SAMD9):c.3455T>C (p.Leu1152Pro)

Gene: SAMD9 (sterile alpha motif domain containing 9; minus strand). Cytogenetic location: 7q21.2.
Variant type: single nucleotide variant.
Coding change: c.3455T>C on transcript NM_017654.4 (MANE Select); coding-DNA position 3455, T replaced by C.
Protein change: p.Leu1152Pro; replaces leucine 1152 with proline.
Molecular consequence: missense variant.
Genome position (GRCh38, 1-based): chr7:93,102,643, A>G on the plus strand (T>C on the coding strand, the complement: SAMD9 is on the minus strand). VCF-style: chr7-93102643-A-G. GRCh37 (hg19) VCF-style: chr7-92731956-A-G.
Other names: c.3455T>C, p.Leu1152Pro (NM_001193307.2); short protein forms L1152P.
Identifiers: ClinVar variation 4629967 (VCV004629967.1).
Genomic context (GRCh38, chr7:93,102,643, plus strand): 5'-TCTTCACTTTGCTGTTGAGATTCTTTGAATGCACTTGAGGCATGTTCTGCTAAATCCAAA[A>G]GAGCAATTAGATCATCAACTGAAATGTTCCCGTTTCCTCCGTTTTCCTCTATCCACCATC-3'
Protein context (NP_060124.2, residues 1142-1162): GNISVDDLIA[Leu1152Pro]LDLAEHASSA